The following is an entry in ClinVar:

ClinVar aggregate classification (germline): Uncertain significance (1 of 4 stars; one submission).

Conditions:
Hereditary cancer-predisposing syndrome. Also called: Hereditary Cancer Syndrome; Tumor predisposition; Hereditary neoplastic syndrome; Neoplastic Syndromes, Hereditary. Identifiers: Orphanet 140162, MedGen C0027672, MeSH D009386, MONDO:0015356.

gnomAD v4.1: 1 of 1,614,132 alleles (0.000062%); highest among the groups gnomAD compares: Non-Finnish European, 0.000085%; no homozygotes.

Submission:

Ambry Genetics
Classification: Uncertain significance for Hereditary cancer-predisposing syndrome. Last evaluated: 2024-04-11. Review status: criteria provided, single submitter. Criteria: Ambry Variant Classification Scheme 2023. Collection method: clinical testing. Allele origin: germline.
Comment: The p.E284D variant (also known as c.852G>C), located in coding exon 10 of the BAP1 gene, results from a G to C substitution at nucleotide position 852. The glutamic acid at codon 284 is replaced by aspartic acid, an amino acid with highly similar properties. This amino acid position is conserved. In addition, this alteration is predicted to be tolerated by in silico analysis. Based on the available evidence, the clinical significance of this variant remains unclear.

NM_004656.4(BAP1):c.852G>C (p.Glu284Asp)

Gene: BAP1 (BRCA1 associated deubiquitinase 1; minus strand). Cytogenetic location: 3p21.1.
Variant type: single nucleotide variant.
Coding change: c.852G>C on transcript NM_004656.4 (MANE Select); coding-DNA position 852, G replaced by C.
Protein change: p.Glu284Asp; replaces glutamic acid 284 with aspartic acid.
Molecular consequence: missense variant.
Genome position (GRCh38, 1-based): chr3:52,405,844, C>G on the plus strand (G>C on the coding strand, the complement: BAP1 is on the minus strand). VCF-style: chr3-52405844-C-G. GRCh37 (hg19) VCF-style: chr3-52439860-C-G.
Other names: c.798G>C, p.Glu266Asp (NM_001410772.1); short protein forms E266D, E284D.
Identifiers: ClinVar variation 3260383 (VCV003260383.1).